The following is an entry in ClinVar:

ClinVar aggregate classification (germline): Pathogenic (1 of 4 stars; one submission).

Conditions:
Hereditary breast ovarian cancer syndrome. Also called: Hereditary breast and ovarian cancer syndrome (HBOC); Breast and ovarian cancer; Hereditary breast and/or ovarian cancer syndrome; Hereditary breast and ovarian cancer; BRCA1- and BRCA2-Associated Hereditary Breast and Ovarian Cancer; Hereditary breast and ovarian cancer syndrome. Identifiers: Orphanet 145, MedGen C0677776, MeSH D061325, MONDO:0003582. Disease mechanism: loss of function.

Submission:

Labcorp Genetics (formerly Invitae), Labcorp
Classification: Pathogenic for Hereditary breast ovarian cancer syndrome. Last evaluated: 2022-05-24. Review status: criteria provided, single submitter. Criteria: Invitae Variant Classification Sherloc (09022015). Collection method: clinical testing. Allele origin: germline.
Comment: This variant is a gross deletion of the genomic region encompassing exon(s) 19-23 of the BRCA1 gene, which includes the termination codon. This deletion extends beyond the assayed region for this gene and therefore may encompass additional genes. While this deletion is not anticipated to lead to nonsense mediated decay, it is expected to alter mRNA translation or result in a truncated protein product. This variant has not been reported in the literature in individuals affected with BRCA1-related conditions. This variant disrupts a region of the BRCA1 protein in which other variant(s) (p.Tyr1853*) have been determined to be pathogenic (PMID: 8942979, 10811118, 11256609, 17308087, 20681793). This suggests that this is a clinically significant region of the protein, and that variants that disrupt it are likely to be disease-causing. For these reasons, this variant has been classified as Pathogenic.

Literature cited by the submitters: PubMed 8942979; PubMed 10811118; PubMed 11256609; PubMed 17308087; PubMed 20681793.

NC_000017.10:g.(?_41196977)_(41209172_?)del

Gene: BRCA1 (BRCA1 DNA repair associated; minus strand). Cytogenetic location: 17q21.31.
Variant type: Deletion.
Identifiers: ClinVar variation 2425737 (VCV002425737.6).